The following is an entry in ClinVar:

ClinVar aggregate classification (germline): Pathogenic (1 of 4 stars; one submission).

Conditions:
Fanconi anemia (FA). Also called: Fanconi's anemia. Identifiers: Orphanet 84, MedGen C0015625, MeSH D005199, MONDO:0019391.

Submission:

Labcorp Genetics (formerly Invitae), Labcorp
Classification: Pathogenic for Fanconi anemia. Last evaluated: 2022-12-29. Review status: criteria provided, single submitter. Criteria: Invitae Variant Classification Sherloc (09022015). Collection method: clinical testing. Allele origin: unknown.
Comment: A gross deletion of the genomic region encompassing the full coding sequence of the FANCC gene has been identified. Loss-of-function variants in FANCC are known to be pathogenic (PMID: 17924555). The boundaries of this event are unknown as they extend beyond the assayed region for this gene and therefore may encompass additional genes. For these reasons, this variant has been classified as Pathogenic. This variant has not been reported in the literature in individuals affected with FANCC-related conditions.

Literature cited by the submitters: PubMed 17924555.

NC_000009.12:g.(?_95101707)_(95317709_?)del

Gene: FANCC (FA complementation group C; minus strand). Cytogenetic location: 9q22.32.
Variant type: Deletion.
Identifiers: ClinVar variation 3245058 (VCV003245058.1).